The following is an entry in ClinVar:

ClinVar aggregate classification (germline): Benign. Review status: criteria provided, multiple submitters, no conflicts (2 of 4 stars). 3 submissions from 3 submitters: Benign (3). Last evaluated 2026-01-27.

Allele frequency attached by ClinVar (database versions not stated): gnomAD exomes 0.00170 and 0.00444; ExAC 0.00541; 1000 Genomes Project 0.01577; 1000 Genomes Project 30x 0.01749; gnomAD 0.01761 and 0.01903; ESP Exome Variant Server 0.01892; TOPMed 0.01931.
gnomAD v4.1: 5,219 of 1,613,462 alleles (0.32%); highest among the groups gnomAD compares: African/African-American, 6.3%; 161 homozygotes.

Submissions (3):

Labcorp Genetics (formerly Invitae), Labcorp
Classification: Benign. Last evaluated: 2026-01-27. Review status: criteria provided, single submitter. Criteria: Invitae Variant Classification Sherloc (09022015). Collection method: clinical testing. Allele origin: germline.

Mayo Clinic Laboratories, Mayo Clinic
Classification: Benign. Last evaluated: 2023-07-09. Review status: criteria provided, single submitter. Criteria: ACMG Guidelines, 2015. Collection method: clinical testing. Allele origin: germline. Observed: 13 variant alleles.

GeneDx
Classification: Benign. Last evaluated: 2014-02-03. Review status: criteria provided, single submitter. Criteria: GeneDx Variant Classification (06012015). Collection method: clinical testing. Allele origin: germline. Affected: yes.
Comment: This variant is considered likely benign or benign based on one or more of the following criteria: it is a conservative change, it occurs at a poorly conserved position in the protein, it is predicted to be benign by multiple in silico algorithms, and/or has population frequency not consistent with disease.

NM_014165.4(NDUFAF4):c.280A>C (p.Arg94=)

Gene: NDUFAF4 (NADH:ubiquinone oxidoreductase complex assembly factor 4; minus strand). Cytogenetic location: 6q16.1.
Variant type: single nucleotide variant.
Coding change: c.280A>C on transcript NM_014165.4 (MANE Select); coding-DNA position 280, A replaced by C.
Protein change: p.Arg94=; no amino-acid change (arginine 94 retained).
Molecular consequence: synonymous variant.
Genome position (GRCh38, 1-based): chr6:96,891,352, T>G on the plus strand (A>C on the coding strand, the complement: NDUFAF4 is on the minus strand). VCF-style: chr6-96891352-T-G. GRCh37 (hg19) VCF-style: chr6-97339228-T-G.
Other names: p.R94R:AGA>CGA; p.Arg94=.
Identifiers: ClinVar variation 138460 (VCV000138460.10), dbSNP rs75650763, ClinGen allele CA292456.